The following is an entry in ClinVar:

ClinVar aggregate classification (germline): Uncertain significance (1 of 4 stars; one submission).

Conditions:
Hereditary cancer-predisposing syndrome. Also called: Neoplastic Syndromes, Hereditary; Tumor predisposition; Hereditary neoplastic syndrome; Hereditary Cancer Syndrome. Identifiers: Orphanet 140162, MedGen C0027672, MeSH D009386, MONDO:0015356.

Submission:

Ambry Genetics
Classification: Uncertain significance for Hereditary cancer-predisposing syndrome. Last evaluated: 2025-06-07. Review status: criteria provided, single submitter. Criteria: Ambry Variant Classification Scheme 2023. Collection method: clinical testing. Allele origin: germline.
Comment: The p.S132C variant (also known as c.394A>T), located in coding exon 1 of the MET gene, results from an A to T substitution at nucleotide position 394. The serine at codon 132 is replaced by cysteine, an amino acid with dissimilar properties. This amino acid position is conserved. In addition, the in silico prediction for this alteration is inconclusive. Based on the available evidence, the clinical significance of this variant remains unclear.

NM_000245.4(MET):c.394A>T (p.Ser132Cys)

Gene: MET (MET proto-oncogene, receptor tyrosine kinase; plus strand). Cytogenetic location: 7q31.2.
Variant type: single nucleotide variant.
Coding change: c.394A>T on transcript NM_000245.4 (MANE Select); coding-DNA position 394, A replaced by T.
Protein change: p.Ser132Cys; replaces serine 132 with cysteine.
Molecular consequence: missense variant. On other transcripts: intron variant (1).
Genome position (GRCh38, 1-based): chr7:116,699,478, A>T. VCF-style: chr7-116699478-A-T. GRCh37 (hg19) VCF-style: chr7-116339532-A-T.
Other names: c.394A>T, p.Ser132Cys (NM_001127500.3, NM_001324401.3); c.-91+26901A>T (NM_001324402.2); short protein forms S132C.
Identifiers: ClinVar variation 4053987 (VCV004053987.1).